The following is an entry in ClinVar:

NM_022168.4(IFIH1):c.1222G>A (p.Asp408Asn)

Gene: IFIH1 (interferon induced with helicase C domain 1; minus strand). Cytogenetic location: 2q24.2.
Variant type: single nucleotide variant.
Coding change: c.1222G>A on transcript NM_022168.4 (MANE Select); coding-DNA position 1222, G replaced by A.
Protein change: p.Asp408Asn; replaces aspartic acid 408 with asparagine.
Molecular consequence: missense variant.
Genome position (GRCh38, 1-based): chr2:162,282,450, C>T on the plus strand (G>A on the coding strand, the complement: IFIH1 is on the minus strand). VCF-style: chr2-162282450-C-T. GRCh37 (hg19) VCF-style: chr2-163138960-C-T.
Other names: short protein forms D408N.
Identifiers: ClinVar variation 844159 (VCV000844159.44), dbSNP rs148540097, ClinGen allele CA1934589.
Genomic context (GRCh38, chr2:162,282,450, plus strand): 5'-CTCCATTTTCCAAGTTTAAGAGGGAGTTTTCAAGGATTTGAGCTGTACTGATAATAATAT[C>T]ACAGGACTTGACAACTTCTGGAAATGATATTTTCAGTTGGGTATCACCACTTAATCCAAT-3'
Protein context (NP_071451.2, residues 398-418): ISFPEVVKSC[Asp408Asn]IIISTAQILE

ClinVar aggregate classification (germline): Conflicting classifications of pathogenicity. Review status: criteria provided, conflicting classifications (1 of 4 stars). 5 submissions from 5 submitters: Uncertain significance (4); Likely benign (1). Last evaluated 2026-04-08.

Conditions:
Singleton-Merten syndrome 1 (SGMRT1). Also called: Widened medullary cavities of bone, aortic calcification, abnormal dentition, and muscular weakness; Syndrome of widened medullary cavities of the metacarpals and phalanges, aortic calcification and abnormal dentition. Identifiers: Orphanet 85191, MedGen C4225427, MONDO:0024535, OMIM 182250.
Aicardi-Goutieres syndrome 7 (AGS7). Identifiers: Orphanet 51, MedGen C3888244, MONDO:0014367, OMIM 615846.

Allele frequency attached by ClinVar (database versions not stated): ExAC 0.00002; gnomAD exomes 0.00004 and 0.00009; gnomAD 0.00005; TOPMed 0.00007; ESP Exome Variant Server 0.00023.
gnomAD v4.1: 138 of 1,611,690 alleles (0.0086%); highest among the groups gnomAD compares: Non-Finnish European, 0.011%; no homozygotes.

Submissions (5):

Women's Health and Genetics/Laboratory Corporation of America, LabCorp
Classification: Likely benign. Last evaluated: 2026-04-08. Review status: criteria provided, single submitter. Criteria: LabCorp Variant Classification Summary - May 2015. Collection method: clinical testing. Allele origin: germline.
Comment: Variant summary: IFIH1 c.1222G>A (p.Asp408Asn) results in a conservative amino acid change in the encoded protein sequence. Algorithms developed to predict the effect of missense changes on protein structure and function are either unavailable or do not agree on the potential impact of this missense change. The variant allele was found at a frequency of 8.6e-05 in 1611690 control chromosomes, predominantly at a frequency of 0.00011 within the Non-Finnish European subpopulation in the gnomAD database. The observed variant frequency within Non-Finnish European control individuals in the gnomAD database exceeds the estimated maximal expected allele frequency for disease-causing variants in IFIH1. To our knowledge, no occurrence of c.1222G>A in individuals affected with IFIH1-related conditions and no experimental evidence demonstrating its impact on protein function have been reported. ClinVar contains an entry for this variant (Variation ID: 844159). Based on the evidence outlined above, the variant was classified as likely benign.

Labcorp Genetics (formerly Invitae), Labcorp
Classification: Uncertain significance for Aicardi-Goutieres syndrome 7; Singleton-Merten syndrome 1. Last evaluated: 2025-10-25. Review status: criteria provided, single submitter. Criteria: Invitae Variant Classification Sherloc (09022015). Collection method: clinical testing. Allele origin: germline.
Comment: This sequence change replaces aspartic acid, which is acidic and polar, with asparagine, which is neutral and polar, at codon 408 of the IFIH1 protein (p.Asp408Asn). This variant is present in population databases (rs148540097, gnomAD 0.008%). This variant has not been reported in the literature in individuals affected with IFIH1-related conditions. ClinVar contains an entry for this variant (Variation ID: 844159). Invitae Evidence Modeling incorporating data from in vitro experimental studies (internal data) did not meet the statistical confidence thresholds required to predict the impact of this variant on IFIH1 function. In summary, the available evidence is currently insufficient to determine the role of this variant in disease. Therefore, it has been classified as a Variant of Uncertain Significance.

CeGaT Center for Human Genetics Tuebingen
Classification: Uncertain significance. Last evaluated: 2024-03-01. Review status: criteria provided, single submitter. Criteria: CeGaT Center For Human Genetics Tuebingen Variant Classification Criteria Version 2. Collection method: clinical testing. Allele origin: germline. Affected: yes. Observed: 2 variant alleles.
Comment: IFIH1: PM2

Institute for Clinical Genetics, University Hospital TU Dresden, University Hospital TU Dresden
Classification: Uncertain significance. Last evaluated: 2023-03-14. Review status: criteria provided, single submitter. Criteria: ACMG Guidelines, 2015. Collection method: clinical testing. Allele origin: germline.

Revvity Omics, Revvity
Classification: Uncertain significance. Last evaluated: 2020-12-17. Review status: criteria provided, single submitter. Criteria: ACMG Guidelines, 2015. Collection method: clinical testing. Allele origin: germline.